The following is an entry in ClinVar:

NM_138927.4(SON):c.5951G>A (p.Arg1984Gln)

Gene: SON (SON DNA and RNA binding protein; plus strand). Cytogenetic location: 21q22.11.
Variant type: single nucleotide variant.
Coding change: c.5951G>A on transcript NM_138927.4 (MANE Select); coding-DNA position 5951, G replaced by A.
Protein change: p.Arg1984Gln; replaces arginine 1984 with glutamine.
Molecular consequence: missense variant. On other transcripts: non-coding transcript variant (1), intron variant (1).
Genome position (GRCh38, 1-based): chr21:33,555,182, G>A. VCF-style: chr21-33555182-G-A. GRCh37 (hg19) VCF-style: chr21-34927488-G-A.
Other names: c.5951G>A, p.Arg1984Gln (NM_032195.3, NM_058183.2, NM_138926.1 and 2 more transcripts); c.245-1974G>A (NM_001291412.3); short protein forms R1984Q.
Identifiers: ClinVar variation 1900652 (VCV001900652.5), dbSNP rs1392881915, ClinGen allele CA410165867.

ClinVar aggregate classification (germline): Uncertain significance (1 of 4 stars; one submission).

Allele frequency attached by ClinVar (database versions not stated): gnomAD exomes below 0.00001; gnomAD 0.00001; TOPMed 0.00001.
gnomAD v4.1: 3 of 1,554,172 alleles (0.00019%); highest among the groups gnomAD compares: Admixed American, 0.0019%; no homozygotes.

Submission:

Labcorp Genetics (formerly Invitae), Labcorp
Classification: Uncertain significance. Last evaluated: 2022-05-04. Review status: criteria provided, single submitter. Criteria: Invitae Variant Classification Sherloc (09022015). Collection method: clinical testing. Allele origin: germline.
Comment: This variant is not present in population databases (gnomAD no frequency). This sequence change replaces arginine, which is basic and polar, with glutamine, which is neutral and polar, at codon 1984 of the SON protein (p.Arg1984Gln). In summary, the available evidence is currently insufficient to determine the role of this variant in disease. Therefore, it has been classified as a Variant of Uncertain Significance. Algorithms developed to predict the effect of missense changes on protein structure and function are either unavailable or do not agree on the potential impact of this missense change (SIFT: "Deleterious"; PolyPhen-2: "Not Available"; Align-GVGD: "Class C0"). This variant has not been reported in the literature in individuals affected with SON-related conditions.